The following is an entry in ClinVar:

ClinVar aggregate classification (germline): Uncertain significance. Review status: criteria provided, multiple submitters, no conflicts (2 of 4 stars). 3 submissions from 3 submitters: Uncertain significance (3). Last evaluated 2023-06-27.

Conditions:
Spastic ataxia 4. Identifiers: Orphanet 254343, MedGen C3150925, MONDO:0013354, OMIM 613672.
MTPAP-related disorder. Also called: MTPAP-related condition.

Allele frequency attached by ClinVar (database versions not stated): TOPMed below 0.00001; ExAC 0.00001; gnomAD 0.00001; gnomAD exomes 0.00002.
gnomAD v4.1: 32 of 1,613,932 alleles (0.002%); highest among the groups gnomAD compares: Admixed American, 0.0067%; no homozygotes.

Submissions (3):

PreventionGenetics, part of Exact Sciences
Classification: Uncertain significance for MTPAP-related condition. Last evaluated: 2023-06-27. Review status: criteria provided, single submitter. Criteria: ACMG Guidelines, 2015. Collection method: clinical testing. Allele origin: germline.
Comment: The MTPAP c.842C>G variant is predicted to result in the amino acid substitution p.Thr281Ser. To our knowledge, this variant has not been reported in the literature. This variant is reported in 0.012% of alleles in individuals of Latino descent in gnomAD. At this time, the clinical significance of this variant is uncertain due to the absence of conclusive functional and genetic evidence.

Labcorp Genetics (formerly Invitae), Labcorp
Classification: Uncertain significance. Last evaluated: 2022-06-22. Review status: criteria provided, single submitter. Criteria: Invitae Variant Classification Sherloc (09022015). Collection method: clinical testing. Allele origin: germline.
Comment: In summary, the available evidence is currently insufficient to determine the role of this variant in disease. Therefore, it has been classified as a Variant of Uncertain Significance. Algorithms developed to predict the effect of missense changes on protein structure and function are either unavailable or do not agree on the potential impact of this missense change (SIFT: "Deleterious"; PolyPhen-2: "Possibly Damaging"; Align-GVGD: "Class C0"). ClinVar contains an entry for this variant (Variation ID: 1029511). This variant has not been reported in the literature in individuals affected with MTPAP-related conditions. This variant is present in population databases (rs771770775, gnomAD 0.01%). This sequence change replaces threonine, which is neutral and polar, with serine, which is neutral and polar, at codon 281 of the MTPAP protein (p.Thr281Ser).

Baylor Genetics
Classification: Uncertain significance for Spastic ataxia 4. Last evaluated: 2019-03-27. Review status: criteria provided, single submitter. Criteria: ACMG Guidelines, 2015. Collection method: clinical testing. Allele origin: paternal. Affected: yes.
Comment: This variant was determined to be of uncertain significance according to ACMG Guidelines, 2015 [PMID:25741868].

NM_018109.4(MTPAP):c.842C>G (p.Thr281Ser)

Gene: MTPAP (mitochondrial poly(A) polymerase; minus strand). Cytogenetic location: 10p11.23.
Variant type: single nucleotide variant.
Coding change: c.842C>G on transcript NM_018109.4 (MANE Select); coding-DNA position 842, C replaced by G.
Protein change: p.Thr281Ser; replaces threonine 281 with serine.
Molecular consequence: missense variant.
Genome position (GRCh38, 1-based): chr10:30,326,574, G>C on the plus strand (C>G on the coding strand, the complement: MTPAP is on the minus strand). VCF-style: chr10-30326574-G-C. GRCh37 (hg19) VCF-style: chr10-30615503-G-C.
Other names: short protein forms T281S.
Identifiers: ClinVar variation 1029511 (VCV001029511.4), dbSNP rs771770775, ClinGen allele CA5459083.